The following is an entry in ClinVar:

NM_002072.5(GNAQ):c.81_90dup (p.Arg31fs)

Gene: GNAQ (G protein subunit alpha q; minus strand). Cytogenetic location: 9q21.2.
Variant type: Duplication.
Coding change: c.81_90dup on transcript NM_002072.5 (MANE Select); coding-DNA positions 81 to 90, 10 bases duplicated (GCAGCTCCGC; older notation c.81_90dupGCAGCTCCGC).
Protein change: p.Arg31fs; shifts the reading frame from arginine 31.
Molecular consequence: frameshift variant.
Genome position (GRCh38, 1-based): chr9:78,031,146-78,031,155, GCGGAGCTGC duplicated on the plus strand (GCAGCTCCGC on the coding strand, the reverse complement: GNAQ is on the minus strand). VCF-style (leftmost placement, unchanged base first): chr9-78031145-T-TGCGGAGCTGC. GRCh37 (hg19) VCF-style: chr9-80646061-T-TGCGGAGCTGC.
Other names: short protein forms R31fs.
Identifiers: ClinVar variation 2580797 (VCV002580797.2), dbSNP rs2489508237, ClinGen allele CA2580618200.
Genomic context (GRCh38, chr9:78,031,145, plus strand): 5'-CCGGACGGTACTCACCGAGCAGCAGCAGCTTGAGCTCCCGGCGGGCGTCCCGCTTGTCCC[T>TGCGGAGCTGC]GCGGAGCTGCCGCTCGATCTCGTCGTTGATCCGCCGGGCTTCCTTGGCCTCCTCGCTCAG-3'

ClinVar aggregate classification (germline): Uncertain significance (1 of 4 stars; one submission).

Submission:

GeneDx
Classification: Uncertain significance. Last evaluated: 2026-02-12. Review status: criteria provided, single submitter. Criteria: GeneDx Variant Classification Process June 2021. Collection method: clinical testing. Allele origin: germline.
Comment: Not observed at significant frequency in large population cohorts (gnomAD); Frameshift variant predicted to result in protein truncation or nonsense mediated decay in a gene or region of a gene for which loss of function is not a well-established mechanism of disease; Has not been previously published as pathogenic or benign to our knowledge